The following is an entry in ClinVar:

NM_198578.4(LRRK2):c.3692A>C (p.Gln1231Pro)

Gene: LRRK2 (leucine rich repeat kinase 2; plus strand). Cytogenetic location: 12q12.
Variant type: single nucleotide variant.
Coding change: c.3692A>C on transcript NM_198578.4 (MANE Select); coding-DNA position 3692, A replaced by C.
Protein change: p.Gln1231Pro; replaces glutamine 1231 with proline.
Molecular consequence: missense variant.
Genome position (GRCh38, 1-based): chr12:40,304,049, A>C. VCF-style: chr12-40304049-A-C. GRCh37 (hg19) VCF-style: chr12-40697851-A-C.
Other names: short protein forms Q1231P.
Identifiers: ClinVar variation 1733973 (VCV001733973.3), dbSNP rs775957888, ClinGen allele CA384416741.

ClinVar aggregate classification (germline): Uncertain significance. Review status: criteria provided, multiple submitters, no conflicts (2 of 4 stars). 2 submissions from 2 submitters: Uncertain significance (2). Last evaluated 2023-02-01.

Conditions:
Inborn genetic diseases. Identifiers: MedGen C0950123, MeSH D030342.

gnomAD v4.1: 1 of 1,613,748 alleles (0.000062%); highest among the groups gnomAD compares: Non-Finnish European, 0.000085%; no homozygotes.

Submissions (2):

GeneDx
Classification: Uncertain significance. Last evaluated: 2023-02-01. Review status: criteria provided, single submitter. Criteria: GeneDx Variant Classification Process June 2021. Collection method: clinical testing. Allele origin: germline. Affected: yes.
Comment: Not observed at significant frequency in large population cohorts (gnomAD); In silico analysis supports that this missense variant has a deleterious effect on protein structure/function; Has not been previously published as pathogenic or benign to our knowledge

Ambry Genetics
Classification: Uncertain significance for Inborn genetic diseases. Last evaluated: 2022-09-18. Review status: criteria provided, single submitter. Criteria: Ambry Variant Classification Scheme 2023. Collection method: clinical testing. Allele origin: germline.
Comment: The p.Q1231P variant (also known as c.3692A>C), located in coding exon 27 of the LRRK2 gene, results from an A to C substitution at nucleotide position 3692. The glutamine at codon 1231 is replaced by proline, an amino acid with similar properties. This amino acid position is conserved. In addition, the in silico prediction for this alteration is inconclusive. Since supporting evidence is limited at this time, the clinical significance of this alteration remains unclear.